The following is an entry in ClinVar:

NM_033026.6(PCLO):c.3851C>T (p.Thr1284Ile)

Gene: PCLO (piccolo presynaptic cytomatrix protein; minus strand). Cytogenetic location: 7q21.11.
Variant type: single nucleotide variant.
Coding change: c.3851C>T on transcript NM_033026.6 (MANE Select); coding-DNA position 3851, C replaced by T.
Protein change: p.Thr1284Ile; replaces threonine 1284 with isoleucine.
Molecular consequence: missense variant.
Genome position (GRCh38, 1-based): chr7:82,965,937, G>A on the plus strand (C>T on the coding strand, the complement: PCLO is on the minus strand). VCF-style: chr7-82965937-G-A. GRCh37 (hg19) VCF-style: chr7-82595253-G-A.
Other names: c.3851C>T, p.Thr1284Ile (NM_014510.3); short protein forms T1284I.
Identifiers: ClinVar variation 1426233 (VCV001426233.5), dbSNP rs758911938, ClinGen allele CA4320948.

ClinVar aggregate classification (germline): Uncertain significance (1 of 4 stars; one submission).

Allele frequency attached by ClinVar (database versions not stated): gnomAD exomes 0.00001; ExAC 0.00002.
gnomAD v4.1: 7 of 1,613,904 alleles (0.00043%); highest among the groups gnomAD compares: Admixed American, 0.0033%; no homozygotes.

Submission:

Labcorp Genetics (formerly Invitae), Labcorp
Classification: Uncertain significance. Last evaluated: 2021-08-02. Review status: criteria provided, single submitter. Criteria: Invitae Variant Classification Sherloc (09022015). Collection method: clinical testing. Allele origin: germline.
Comment: In summary, the available evidence is currently insufficient to determine the role of this variant in disease. Therefore, it has been classified as a Variant of Uncertain Significance. Algorithms developed to predict the effect of missense changes on protein structure and function are either unavailable or do not agree on the potential impact of this missense change (SIFT: "Tolerated"; PolyPhen-2: "Not Available"; Align-GVGD: "Class C0"). This variant has not been reported in the literature in individuals affected with PCLO-related conditions. This variant is present in population databases (rs758911938, ExAC 0.009%). This sequence change replaces threonine with isoleucine at codon 1284 of the PCLO protein (p.Thr1284Ile). The threonine residue is weakly conserved and there is a moderate physicochemical difference between threonine and isoleucine.